The following is an entry in ClinVar:

ClinVar aggregate classification (germline): Conflicting classifications of pathogenicity. Review status: criteria provided, conflicting classifications (1 of 4 stars). 3 submissions from 3 submitters: Uncertain significance (2); Likely benign (1). Last evaluated 2025-09-18.

Conditions:
Myopathy, proximal, and ophthalmoplegia (CMYO6). Also called: INCLUSION BODY MYOPATHY 3, AUTOSOMAL DOMINANT; CONGENITAL MYOPATHY 6 WITH OPHTHALMOPLEGIA; MYOPATHY WITH CONGENITAL JOINT CONTRACTURES, OPHTHALMOPLEGIA, AND RIMMED VACUOLES. Identifiers: Orphanet 363677, Orphanet 79091, MedGen C1854106, MONDO:0011577, OMIM 605637.

Allele frequency attached by ClinVar (database versions not stated): ESP Exome Variant Server 0.00008; gnomAD exomes 0.00008; ExAC 0.00012.
gnomAD v4.1: 128 of 1,614,032 alleles (0.0079%); highest among the groups gnomAD compares: South Asian, 0.038%; 3 homozygotes.

Submissions (3):

Labcorp Genetics (formerly Invitae), Labcorp
Classification: Likely benign for Myopathy, proximal, and ophthalmoplegia. Last evaluated: 2025-09-18. Review status: criteria provided, single submitter. Criteria: Invitae Variant Classification Sherloc (09022015). Collection method: clinical testing. Allele origin: germline.

GeneDx
Classification: Uncertain significance. Last evaluated: 2023-06-05. Review status: criteria provided, single submitter. Criteria: GeneDx Variant Classification Process June 2021. Collection method: clinical testing. Allele origin: germline. Affected: yes.
Comment: In silico analysis supports that this missense variant has a deleterious effect on protein structure/function; Has not been previously published as pathogenic or benign to our knowledge

Diagnostics Services (NGS), CSIR - Centre For Cellular And Molecular Biology
Classification: Uncertain significance for Myopathy, proximal, and ophthalmoplegia. Last evaluated: 2022-08-09. Review status: criteria provided, single submitter. Criteria: ACMG Guidelines, 2015. Collection method: clinical testing. Allele origin: unknown. Affected: yes. Observed: 1 variant allele, 1 heterozygote.

NM_017534.6(MYH2):c.4204C>T (p.Arg1402Trp)

Genes: MYH2 (myosin heavy chain 2; minus strand), MYHAS (myosin heavy chain gene cluster antisense RNA; plus strand). Cytogenetic location: 17p13.1.
Variant type: single nucleotide variant.
Coding change: c.4204C>T on transcript NM_017534.6 (MANE Select); coding-DNA position 4204, C replaced by T.
Protein change: p.Arg1402Trp; replaces arginine 1402 with tryptophan.
Molecular consequence: missense variant.
Genome position (GRCh38, 1-based): chr17:10,525,860, G>A on the plus strand (C>T on the coding strand, the complement: MYH2 is on the minus strand). VCF-style: chr17-10525860-G-A. GRCh37 (hg19) VCF-style: chr17-10429177-G-A.
Other names: c.4204C>T (NM_017534.5); c.4204C>T, p.Arg1402Trp (NM_001100112.2); short protein forms R1402W.
Identifiers: ClinVar variation 1802244 (VCV001802244.9), dbSNP rs150968280, ClinGen allele CA8390691.
Genomic context (GRCh38, chr17:10,525,860, plus strand): 5'-TTTCGAGGGAAGCACATTTGGCGTTCACAGCTTCTACATGTTCCTCAGCTGCCTGCAGCC[G>A]CTGGGCCAGCTTCTTCCTTGAATATTATACATGTTTTCAGAGAGAAGTGAACCATAATAT-3'
Protein context (NP_060004.3, residues 1392-1412): LEEAKKKLAQ[Arg1402Trp]LQAAEEHVEA